The following is an entry in ClinVar:

NM_006766.5(KAT6A):c.1010G>A (p.Arg337His)

Gene: KAT6A (lysine acetyltransferase 6A; minus strand). Cytogenetic location: 8p11.21.
Variant type: single nucleotide variant.
Coding change: c.1010G>A on transcript NM_006766.5 (MANE Select); coding-DNA position 1010, G replaced by A.
Protein change: p.Arg337His; replaces arginine 337 with histidine.
Molecular consequence: missense variant.
Genome position (GRCh38, 1-based): chr8:41,978,675, C>T on the plus strand (G>A on the coding strand, the complement: KAT6A is on the minus strand). VCF-style: chr8-41978675-C-T. GRCh37 (hg19) VCF-style: chr8-41836193-C-T.
Other names: c.1010G>A, p.Arg337His (NM_001305878.2); short protein forms R337H.
Identifiers: ClinVar variation 1254687 (VCV001254687.8), dbSNP rs570988959, ClinGen allele CA4730270.

ClinVar aggregate classification (germline): Likely benign. Review status: criteria provided, multiple submitters, no conflicts (2 of 4 stars). 2 submissions from 2 submitters: Likely benign (2). Last evaluated 2025-11-01.

Allele frequency attached by ClinVar (database versions not stated): ExAC 0.00003; 1000 Genomes Project 30x 0.00016; 1000 Genomes Project 0.00020; gnomAD 0.00005 and 0.00007.
gnomAD v4.1: 141 of 1,613,826 alleles (0.0087%); highest among the groups gnomAD compares: South Asian, 0.012%; no homozygotes.

Submissions (2):

Labcorp Genetics (formerly Invitae), Labcorp
Classification: Likely benign. Last evaluated: 2025-11-01. Review status: criteria provided, single submitter. Criteria: Invitae Variant Classification Sherloc (09022015). Collection method: clinical testing. Allele origin: germline.

GeneDx
Classification: Likely benign. Last evaluated: 2020-10-15. Review status: criteria provided, single submitter. Criteria: GeneDx Variant Classification Process June 2021. Collection method: clinical testing. Allele origin: germline. Affected: yes.
Comment: In silico analysis supports that this missense variant has a deleterious effect on protein structure/function; Has not been previously published as pathogenic or benign to our knowledge